The following is an entry in ClinVar:

ClinVar aggregate classification (germline): Likely pathogenic (1 of 4 stars; one submission).

Conditions:
Atypical hemolytic-uremic syndrome with I factor anomaly. Also called: HEMOLYTIC UREMIC SYNDROME, ATYPICAL, SUSCEPTIBILITY TO, 3; AHUS, SUSCEPTIBILITY TO, 3. Identifiers: Orphanet 2134, MedGen C2752039, MONDO:0013041, OMIM 612923.

Submission:

3billion
Classification: Likely pathogenic for Atypical hemolytic-uremic syndrome with I factor anomaly. Last evaluated: 2025-08-21. Review status: criteria provided, single submitter. Criteria: ACMG Guidelines, 2015. Collection method: clinical testing. Allele origin: germline. Affected: yes.
Comment: The variant is not observed in the gnomAD v4.1.0 dataset. Predicted Consequence/Location: Canonical splice site: predicted to alter splicing and result in a loss or disruption of normal protein function. Multiple pathogenic loss-of-function variants are reported downstream of the variant. Therefore, this variant is classified as Likely pathogenic according to the recommendation of ACMG/AMP guideline.

NM_000204.5(CFI):c.1148+1G>T

Gene: CFI (complement factor I; minus strand). Cytogenetic location: 4q25.
Variant type: single nucleotide variant.
Coding change: c.1148+1G>T on transcript NM_000204.5 (MANE Select); the canonical splice donor site of the intron after coding-DNA position 1148, G replaced by T.
Molecular consequence: splice donor variant.
Genome position (GRCh38, 1-based): chr4:109,749,217, C>A on the plus strand (G>T on the coding strand, the complement: CFI is on the minus strand). VCF-style: chr4-109749217-C-A. GRCh37 (hg19) VCF-style: chr4-110670373-C-A.
Other names: c.1127+1G>T (NM_001375282.1, NM_001375280.1, NM_001331035.2 and 1 more transcripts); c.1148+1G>T (NM_001375281.1, NM_001375279.1, NM_001440989.1); c.1169+1G>T (NM_001440985.1, NM_001440986.1); c.1172+1G>T (NM_001440988.1, NM_001375278.1, NM_001318057.2); c.539+1G>T (NM_001375284.1); c.1091+1G>T (NM_001375283.1).
Identifiers: ClinVar variation 4855422 (VCV004855422.1).